The following is an entry in ClinVar:

NM_130837.3(OPA1):c.2656A>G (p.Ser886Gly)

Gene: OPA1 (OPA1 mitochondrial dynamin like GTPase; plus strand). Cytogenetic location: 3q29.
Variant type: single nucleotide variant.
Coding change: c.2656A>G on transcript NM_130837.3 (MANE Select); coding-DNA position 2656, A replaced by G.
Protein change: p.Ser886Gly; replaces serine 886 with glycine.
Molecular consequence: missense variant.
Genome position (GRCh38, 1-based): chr3:193,662,957, A>G. VCF-style: chr3-193662957-A-G. GRCh37 (hg19) VCF-style: chr3-193380746-A-G.
Other names: c.2122A>G, p.Ser708Gly (NM_001354663.2); c.2119A>G, p.Ser707Gly (NM_001354664.2); c.2491A>G, p.Ser831Gly (NM_015560.3); c.2383A>G, p.Ser795Gly (NM_130831.3); c.2437A>G, p.Ser813Gly (NM_130832.3); c.2494A>G, p.Ser832Gly (NM_130833.3); c.2545A>G, p.Ser849Gly (NM_130834.3); c.2548A>G, p.Ser850Gly (NM_130835.3); and 1 more; short protein forms S850G, S707G, S708G, S886G, S813G, S795G, S831G, S832G.
Identifiers: ClinVar variation 3682452 (VCV003682452.2).

ClinVar aggregate classification (germline): Uncertain significance (1 of 4 stars; one submission).

Submission:

Labcorp Genetics (formerly Invitae), Labcorp
Classification: Uncertain significance. Last evaluated: 2025-06-04. Review status: criteria provided, single submitter. Criteria: Invitae Variant Classification Sherloc (09022015). Collection method: clinical testing. Allele origin: germline.
Comment: This sequence change replaces serine, which is neutral and polar, with glycine, which is neutral and non-polar, at codon 831 of the OPA1 protein (p.Ser831Gly). This variant is not present in population databases (gnomAD no frequency). This variant has not been reported in the literature in individuals affected with OPA1-related conditions. ClinVar contains an entry for this variant (Variation ID: 3682452). Invitae Evidence Modeling of protein sequence and biophysical properties (such as structural, functional, and spatial information, amino acid conservation, physicochemical variation, residue mobility, and thermodynamic stability) indicates that this missense variant is not expected to disrupt OPA1 protein function with a negative predictive value of 80%. In summary, the available evidence is currently insufficient to determine the role of this variant in disease. Therefore, it has been classified as a Variant of Uncertain Significance.